The following is an entry in ClinVar:

ClinVar aggregate classification (germline): Uncertain significance. Review status: criteria provided, multiple submitters, no conflicts (2 of 4 stars). 2 submissions from 2 submitters: Uncertain significance (2). Last evaluated 2025-04-02.

Conditions:
Cardiovascular phenotype. Identifiers: MedGen CN230736.
Walker-Warburg congenital muscular dystrophy. Also called: Muscular dystrophy-dystroglycanopathy, type A; Walker-Warburg syndrome. Identifiers: Orphanet 899, MedGen C0265221, MONDO:0000171.

gnomAD v4.1: 11 of 1,554,340 alleles (0.00071%); highest among the groups gnomAD compares: East Asian, 0.026%; no homozygotes.

Submissions (2):

Ambry Genetics
Classification: Uncertain significance for Cardiovascular phenotype. Last evaluated: 2025-04-02. Review status: criteria provided, single submitter. Criteria: Ambry Variant Classification Scheme 2023. Collection method: clinical testing. Allele origin: germline.
Comment: The p.N290K variant (also known as c.870C>A), located in coding exon 1 of the FKRP gene, results from a C to A substitution at nucleotide position 870. The asparagine at codon 290 is replaced by lysine, an amino acid with similar properties. This amino acid position is conserved. In addition, this alteration is predicted to be tolerated by in silico analysis. Based on the available evidence, the clinical significance of this variant remains unclear.

Labcorp Genetics (formerly Invitae), Labcorp
Classification: Uncertain significance for Walker-Warburg congenital muscular dystrophy. Last evaluated: 2024-04-25. Review status: criteria provided, single submitter. Criteria: Invitae Variant Classification Sherloc (09022015). Collection method: clinical testing. Allele origin: germline.
Comment: This sequence change replaces asparagine, which is neutral and polar, with lysine, which is basic and polar, at codon 290 of the FKRP protein (p.Asn290Lys). This variant is not present in population databases (gnomAD no frequency). This variant has not been reported in the literature in individuals affected with FKRP-related conditions. Advanced modeling of protein sequence and biophysical properties (such as structural, functional, and spatial information, amino acid conservation, physicochemical variation, residue mobility, and thermodynamic stability) performed at Invitae indicates that this missense variant is not expected to disrupt FKRP protein function with a negative predictive value of 80%. In summary, the available evidence is currently insufficient to determine the role of this variant in disease. Therefore, it has been classified as a Variant of Uncertain Significance.

NM_024301.5(FKRP):c.870C>A (p.Asn290Lys)

Gene: FKRP (fukutin related protein; plus strand). Cytogenetic location: 19q13.32.
Variant type: single nucleotide variant.
Coding change: c.870C>A on transcript NM_024301.5 (MANE Select); coding-DNA position 870, C replaced by A.
Protein change: p.Asn290Lys; replaces asparagine 290 with lysine.
Molecular consequence: missense variant.
Genome position (GRCh38, 1-based): chr19:46,756,320, C>A. VCF-style: chr19-46756320-C-A. GRCh37 (hg19) VCF-style: chr19-47259577-C-A.
Other names: c.870C>A, p.Asn290Lys (NM_001039885.3); c.870C>A (NM_024301.4); short protein forms N290K.
Identifiers: ClinVar variation 3704986 (VCV003704986.2).